The following is an entry in ClinVar:

NM_201384.3(PLEC):c.6047C>A (p.Ala2016Asp)

Gene: PLEC (plectin; minus strand). Cytogenetic location: 8q24.3.
Variant type: single nucleotide variant.
Coding change: c.6047C>A on transcript NM_201384.3 (MANE Select); coding-DNA position 6047, C replaced by A.
Protein change: p.Ala2016Asp; replaces alanine 2016 with aspartic acid.
Molecular consequence: missense variant. On other transcripts: intron variant (1).
Genome position (GRCh38, 1-based): chr8:143,923,882, G>T on the plus strand (C>A on the coding strand, the complement: PLEC is on the minus strand). VCF-style: chr8-143923882-G-T. GRCh37 (hg19) VCF-style: chr8-144998050-G-T.
Other names: c.6128C>A, p.Ala2043Asp (NM_000445.5); c.6005C>A, p.Ala2002Asp (NM_201378.4); c.5981C>A, p.Ala1994Asp (NM_201379.3); c.6458C>A, p.Ala2153Asp (NM_201380.4); c.5951C>A, p.Ala1984Asp (NM_201381.3); c.6047C>A, p.Ala2016Asp (NM_201382.4); c.6059C>A, p.Ala2020Asp (NM_201383.3); c.4126-1487C>A (NM_001410941.1); short protein forms A1994D, A2002D, A2016D, A2043D, A1984D, A2020D, A2153D.
Identifiers: ClinVar variation 4793726 (VCV004793726.1).

ClinVar aggregate classification (germline): Uncertain significance (1 of 4 stars; one submission).

Conditions:
Epidermolysis bullosa simplex 5B, with muscular dystrophy (EBS5B). Also called: EPIDERMOLYSIS BULLOSA SIMPLEX AND LIMB-GIRDLE MUSCULAR DYSTROPHY; Epidermolysis bullosa simplex with muscular dystrophy. Identifiers: Orphanet 257, MedGen C2931072, MONDO:0009181, OMIM 226670.
Epidermolysis bullosa simplex, Ogna type (EBS5A). Also called: Pidermolysis bullosa simplex 5A, Ogna type; EPIDERMOLYSIS BULLOSA SIMPLEX 5A, OGNA TYPE. Identifiers: Orphanet 79401, MedGen C0432317, MONDO:0007555, OMIM 131950.
Epidermolysis bullosa simplex 5C, with pyloric atresia (EBS5C). Also called: Epidermolysis bullosa simplex with pyloric atresia; PLEC-Related Epidermolysis Bullosa with Pyloric Atresia; PLEC1-Related Epidermolysis Bullosa with Pyloric Atresia. Identifiers: Orphanet 158684, MedGen C2677349, MONDO:0012807, OMIM 612138.
Autosomal recessive limb-girdle muscular dystrophy type 2Q (LGMDR17). Also called: MUSCULAR DYSTROPHY, LIMB-GIRDLE, AUTOSOMAL RECESSIVE 17. Identifiers: Orphanet 254361, MedGen C3150989, MONDO:0013390, OMIM 613723.
Epidermolysis bullosa simplex with nail dystrophy (EBS5D). Identifiers: MedGen C4225309, MONDO:0014661, OMIM 616487.

Submission:

Labcorp Genetics (formerly Invitae), Labcorp
Classification: Uncertain significance for Autosomal recessive limb-girdle muscular dystrophy type 2Q; Epidermolysis bullosa simplex, Ogna type; Epidermolysis bullosa simplex with nail dystrophy; Epidermolysis bullosa simplex 5C, with pyloric atresia; Epidermolysis bullosa simplex 5B, with muscular dystrophy. Last evaluated: 2026-01-17. Review status: criteria provided, single submitter. Criteria: Invitae Variant Classification Sherloc (09022015). Collection method: clinical testing. Allele origin: germline.
Comment: This sequence change replaces alanine, which is neutral and non-polar, with aspartic acid, which is acidic and polar, at codon 2043 of the PLEC protein (p.Ala2043Asp). This variant is not present in population databases (gnomAD no frequency). This variant has not been reported in the literature in individuals affected with PLEC-related conditions. Experimental studies and prediction algorithms are not available or were not evaluated, and the functional significance of this variant is currently unknown. In summary, the available evidence is currently insufficient to determine the role of this variant in disease. Therefore, it has been classified as a Variant of Uncertain Significance.